The following is an entry in ClinVar:

NM_002439.5(MSH3):c.910-1G>A

Genes: MSH3 (mutS homolog 3; plus strand), LOC126807437 (MED14-independent group 3 enhancer GRCh37_chr5:79968379-79969578; plus strand). Cytogenetic location: 5q14.1.
Variant type: single nucleotide variant.
Coding change: c.910-1G>A on transcript NM_002439.5 (MANE Select); the canonical splice acceptor site of the intron before coding-DNA position 910, G replaced by A.
Molecular consequence: splice acceptor variant.
Genome position (GRCh38, 1-based): chr5:80,672,740, G>A. VCF-style: chr5-80672740-G-A. GRCh37 (hg19) VCF-style: chr5-79968559-G-A.
Identifiers: ClinVar variation 4826788 (VCV004826788.1).

ClinVar aggregate classification (germline): Likely pathogenic (1 of 4 stars; one submission).

Conditions:
Hereditary cancer-predisposing syndrome. Also called: Neoplastic Syndromes, Hereditary; Tumor predisposition; Hereditary Cancer Syndrome; Hereditary neoplastic syndrome. Identifiers: Orphanet 140162, MedGen C0027672, MeSH D009386, MONDO:0015356.

Submission:

Ambry Genetics
Classification: Likely pathogenic for Hereditary cancer-predisposing syndrome. Last evaluated: 2026-03-02. Review status: criteria provided, single submitter. Criteria: Ambry Variant Classification Scheme 2023. Collection method: clinical testing. Allele origin: germline.
Comment: The c.910-1G>A intronic variant results from a G to A substitution one nucleotide upstream from coding exon 6 of the MSH3 gene. This variant is considered to be rare based on population cohorts in the Genome Aggregation Database (gnomAD). This nucleotide position is highly conserved in available vertebrate species. In silico splice site analysis predicts that this alteration will weaken the native splice acceptor site and will result in the creation or strengthening of a novel splice acceptor site. Alterations that disrupt the canonical splice site are expected to cause aberrant splicing, resulting in an abnormal protein or a transcript that is subject to nonsense-mediated mRNA decay. As such, this alteration is classified as likely pathogenic.